The following is an entry in ClinVar:

ClinVar aggregate classification (germline): Likely pathogenic (1 of 4 stars; one submission).

Conditions:
Familial hemiplegic migraine. Identifiers: MedGen C0338484, MONDO:0000700.

Allele frequency attached by ClinVar (database versions not stated): gnomAD exomes below 0.00001.
gnomAD v4.1: 1 of 1,613,952 alleles (0.000062%); highest among the groups gnomAD compares: Non-Finnish European, 0.000085%; no homozygotes.

Submission:

Labcorp Genetics (formerly Invitae), Labcorp
Classification: Likely pathogenic for Familial hemiplegic migraine. Last evaluated: 2023-12-01. Review status: criteria provided, single submitter. Criteria: Invitae Variant Classification Sherloc (09022015). Collection method: clinical testing. Allele origin: germline.
Comment: This sequence change affects a donor splice site in intron 5 of the ATP1A2 gene. It is expected to disrupt RNA splicing. Variants that disrupt the donor or acceptor splice site typically lead to a loss of protein function (PMID: 16199547), and loss-of-function variants in ATP1A2 are known to be pathogenic (PMID: 30690204). This variant is not present in population databases (gnomAD no frequency). This variant has not been reported in the literature in individuals affected with ATP1A2-related conditions. Algorithms developed to predict the effect of sequence changes on RNA splicing suggest that this variant may disrupt the consensus splice site. In summary, the currently available evidence indicates that the variant is pathogenic, but additional data are needed to prove that conclusively. Therefore, this variant has been classified as Likely Pathogenic.

Literature cited by the submitters: PubMed 16199547; PubMed 30690204.

NM_000702.4(ATP1A2):c.495+2T>C

Gene: ATP1A2 (ATPase Na+/K+ transporting subunit alpha 2; plus strand). Cytogenetic location: 1q23.2.
Variant type: single nucleotide variant.
Coding change: c.495+2T>C on transcript NM_000702.4 (MANE Select); the canonical splice donor site of the intron after coding-DNA position 495, T replaced by C.
Molecular consequence: splice donor variant.
Genome position (GRCh38, 1-based): chr1:160,124,058, T>C. VCF-style: chr1-160124058-T-C. GRCh37 (hg19) VCF-style: chr1-160093848-T-C.
Identifiers: ClinVar variation 2699989 (VCV002699989.3), dbSNP rs2524856473, ClinGen allele CA343233064.